The following is an entry in ClinVar:

NM_002291.3(LAMB1):c.3038G>A (p.Arg1013Gln)

Gene: LAMB1 (laminin subunit beta 1; minus strand). Cytogenetic location: 7q31.1.
Variant type: single nucleotide variant.
Coding change: c.3038G>A on transcript NM_002291.3 (MANE Select); coding-DNA position 3038, G replaced by A.
Protein change: p.Arg1013Gln; replaces arginine 1013 with glutamine.
Molecular consequence: missense variant.
Genome position (GRCh38, 1-based): chr7:107,953,571, C>T on the plus strand (G>A on the coding strand, the complement: LAMB1 is on the minus strand). VCF-style: chr7-107953571-C-T. GRCh37 (hg19) VCF-style: chr7-107594016-C-T.
Other names: short protein forms R1013Q.
Identifiers: ClinVar variation 435727 (VCV000435727.19), dbSNP rs141390544, ClinGen allele CA4435456.
Genomic context (GRCh38, chr7:107,953,571, plus strand): 5'-GAATAAATGTGCATCTTACTTCGACAGTCCTGCTGGAGGGCATCACCATAGTATCCAAAC[C>T]GGCAGAACTGACAGTGTTCCCCTTCCGTGTGGTACAGGCACTTGAGACACCTCCCAGTCT-3'
Protein context (NP_002282.2, residues 1003-1023): HTEGEHCQFC[Arg1013Gln]FGYYGDALQQ

ClinVar aggregate classification (germline): Conflicting classifications of pathogenicity. Review status: criteria provided, conflicting classifications (1 of 4 stars). 7 submissions from 7 submitters: Uncertain significance (2); Likely benign (5). Last evaluated 2025-12-03.

Conditions:
LAMB1-related disorder. Also called: LAMB1-related condition.
Inborn genetic diseases. Identifiers: MedGen C0950123, MeSH D030342.

Allele frequency attached by ClinVar (database versions not stated): 1000 Genomes Project 30x 0.00016; 1000 Genomes Project 0.00020; TOPMed 0.00032; ExAC 0.00036; gnomAD exomes 0.00036 and 0.00040; ESP Exome Variant Server 0.00054; gnomAD 0.00054 and 0.00055.
gnomAD v4.1: 620 of 1,614,126 alleles (0.038%); highest among the groups gnomAD compares: Non-Finnish European, 0.035%; no homozygotes.

Submissions (7):

Labcorp Genetics (formerly Invitae), Labcorp
Classification: Likely benign. Last evaluated: 2025-12-03. Review status: criteria provided, single submitter. Criteria: Invitae Variant Classification Sherloc (09022015). Collection method: clinical testing. Allele origin: germline.

PreventionGenetics, part of Exact Sciences
Classification: Likely benign for LAMB1-related condition. Last evaluated: 2025-04-04. Review status: criteria provided, single submitter. Criteria: ACMG Guidelines, 2015. Collection method: clinical testing. Allele origin: germline.
Comment: This variant is classified as likely benign based on ACMG/AMP sequence variant interpretation guidelines (Richards et al. 2015 PMID: 25741868, with internal and published modifications).

Blueprint Genetics
Classification: Likely benign. Last evaluated: 2024-08-05. Review status: criteria provided, single submitter. Criteria: ACMG Guidelines, 2015. Collection method: clinical testing. Allele origin: germline.

Institute for Clinical Genetics, University Hospital TU Dresden, University Hospital TU Dresden
Classification: Uncertain significance. Last evaluated: 2022-03-09. Review status: criteria provided, single submitter. Criteria: ACMG Guidelines, 2015. Collection method: clinical testing. Allele origin: paternal.
Comment: PM1, PM2_SUP, PM3, BP4

Ambry Genetics
Classification: Likely benign for Inborn genetic diseases. Last evaluated: 2021-10-01. Review status: criteria provided, single submitter. Criteria: Ambry Variant Classification Scheme 2023. Collection method: clinical testing. Allele origin: germline.

GeneDx
Classification: Likely benign. Last evaluated: 2020-08-06. Review status: criteria provided, single submitter. Criteria: GeneDx Variant Classification Process June 2021. Collection method: clinical testing. Allele origin: germline. Affected: yes.

Genetic Services Laboratory, University of Chicago
Classification: Uncertain significance. Last evaluated: 2015-08-24. Review status: criteria provided, single submitter. Criteria: ACMG Guidelines, 2015. Collection method: clinical testing. Allele origin: germline. Affected: no.